The following is an entry in ClinVar:

ClinVar aggregate classification (germline): Uncertain significance (1 of 4 stars; one submission).

Conditions:
Axenfeld-Rieger syndrome type 3 (RIEG3). Also called: AXENFELD-RIEGER ANOMALY WITH CARDIAC DEFECTS AND/OR SENSORINEURAL HEARING LOSS. Identifiers: Orphanet 782, MedGen C2678503, MONDO:0011233, OMIM 602482.

Submission:

Labcorp Genetics (formerly Invitae), Labcorp
Classification: Uncertain significance for Axenfeld-Rieger syndrome type 3. Last evaluated: 2024-12-15. Review status: criteria provided, single submitter. Criteria: Invitae Variant Classification Sherloc (09022015). Collection method: clinical testing. Allele origin: germline.
Comment: This sequence change affects codon 511 of the FOXC1 mRNA. It is a 'silent' change, meaning that it does not change the encoded amino acid sequence of the FOXC1 protein. This variant is not present in population databases (gnomAD no frequency). This variant has not been reported in the literature in individuals affected with FOXC1-related conditions. In summary, the available evidence is currently insufficient to determine the role of this variant in disease. Therefore, it has been classified as a Variant of Uncertain Significance.

NM_001453.3(FOXC1):c.1533C>T (p.Phe511=)

Gene: FOXC1 (forkhead box C1; plus strand). Cytogenetic location: 6p25.3.
Variant type: single nucleotide variant.
Coding change: c.1533C>T on transcript NM_001453.3 (MANE Select); coding-DNA position 1533, C replaced by T.
Protein change: p.Phe511=; no amino-acid change (phenylalanine 511 retained).
Molecular consequence: synonymous variant.
Genome position (GRCh38, 1-based): chr6:1,611,978, C>T. VCF-style: chr6-1611978-C-T. GRCh37 (hg19) VCF-style: chr6-1612213-C-T.
Identifiers: ClinVar variation 3623742 (VCV003623742.2).